The following is an entry in ClinVar:

ClinVar aggregate classification (germline): Uncertain significance (0 of 4 stars; one submission).

Conditions:
MBL2-related disorder. Also called: MBL2-related condition.

Submission:

PreventionGenetics, part of Exact Sciences
Classification: Uncertain significance for MBL2-related condition. Last evaluated: 2024-07-01. Review status: no assertion criteria provided. Collection method: clinical testing. Allele origin: germline.
Comment: The MBL2 c.218dupC variant is predicted to result in a frameshift and premature protein termination (p.Gly74Trpfs*31). To our knowledge, this variant has not been reported in the literature. This variant is reported in 0.069% of alleles in individuals of African descent in gnomAD. At this time, the clinical significance of this variant is uncertain due to the absence of conclusive functional and genetic evidence.

NM_001378373.1(MBL2):c.218dup (p.Gly74fs)

Gene: MBL2 (mannose binding lectin 2; minus strand). Cytogenetic location: 10q21.1.
Variant type: Duplication.
Coding change: c.218dup on transcript NM_001378373.1 (MANE Select); coding-DNA position 218, one base duplicated (C; older notation c.218dupC).
Protein change: p.Gly74fs; shifts the reading frame from glycine 74.
Molecular consequence: frameshift variant.
Genome position (GRCh38, 1-based): chr10:52,770,756, G duplicated on the plus strand (C on the coding strand, the reverse complement: MBL2 is on the minus strand); the first of 6 consecutive G bases (chr10:52,770,756-52,770,761); duplicating any one gives the same sequence. VCF-style (leftmost placement, unchanged base first): chr10-52770755-A-AG. GRCh37 (hg19) VCF-style: chr10-54530515-A-AG.
Other names: c.218dup, p.Gly74fs (NM_000242.3, NM_001378374.1); c.218dupC (NM_000242.2); short protein forms G74fs.
Identifiers: ClinVar variation 2634700 (VCV002634700.2), dbSNP rs747467008, ClinGen allele CA5504393.